The following is an entry in ClinVar:

NM_001042432.2(CLN3):c.906+2T>G

Gene: CLN3 (CLN3 lysosomal/endosomal transmembrane protein, battenin; minus strand). Cytogenetic location: 16p12.1.
Variant type: single nucleotide variant.
Coding change: c.906+2T>G on transcript NM_001042432.2 (MANE Select); the canonical splice donor site of the intron after coding-DNA position 906, T replaced by G.
Molecular consequence: splice donor variant.
Genome position (GRCh38, 1-based): chr16:28,482,475, A>C on the plus strand (T>G on the coding strand, the complement: CLN3 is on the minus strand). VCF-style: chr16-28482475-A-C. GRCh37 (hg19) VCF-style: chr16-28493796-A-C.
Other names: c.672+2T>G (NM_001286109.2); c.834+2T>G (NM_001286104.2); c.606+2T>G (NM_001286105.2); c.744+2T>G (NM_001286110.2); c.906+2T>G (NM_000086.2).
Identifiers: ClinVar variation 1469654 (VCV001469654.6), dbSNP rs771788391, ClinGen allele CA395344382.
Genomic context (GRCh38, chr16:28,482,475, plus strand): 5'-GGGCTGTGTGGGTCCCAGCCCCAATCGCCACCTCCACACCCCTCCTAGCACCCCTCACTT[A>C]CAAGTCCCTGGTTAATGAAATACTCGGCAAAGTAAACTACGACCAAGGGAACAATGTACC-3'

ClinVar aggregate classification (germline): Likely pathogenic (1 of 4 stars; one submission).

Conditions:
Neuronal ceroid lipofuscinosis. Also called: Neuronal Ceroid Lipofuscinoses. Identifiers: Orphanet 216, Orphanet 79263, MedGen C0027877, MONDO:0016295. Disease mechanism: loss of function.

gnomAD v4.1: 1 of 1,614,144 alleles (0.000062%); highest among the groups gnomAD compares: Non-Finnish European, 0.000085%; no homozygotes.

Submission:

Labcorp Genetics (formerly Invitae), Labcorp
Classification: Likely pathogenic for Neuronal ceroid lipofuscinosis. Last evaluated: 2022-11-29. Review status: criteria provided, single submitter. Criteria: Invitae Variant Classification Sherloc (09022015). Collection method: clinical testing. Allele origin: germline.
Comment: In summary, the currently available evidence indicates that the variant is pathogenic, but additional data are needed to prove that conclusively. Therefore, this variant has been classified as Likely Pathogenic. Algorithms developed to predict the effect of sequence changes on RNA splicing suggest that this variant may disrupt the consensus splice site. ClinVar contains an entry for this variant (Variation ID: 1469654). This variant has not been reported in the literature in individuals affected with CLN3-related conditions. This variant is not present in population databases (gnomAD no frequency). This sequence change affects a donor splice site in intron 12 of the CLN3 gene. It is expected to disrupt RNA splicing. Variants that disrupt the donor or acceptor splice site typically lead to a loss of protein function (PMID: 16199547), and loss-of-function variants in CLN3 are known to be pathogenic (PMID: 9311735, 28542676).

Literature cited by the submitters: PubMed 16199547; PubMed 9311735; PubMed 28542676.